The following is an entry in ClinVar:

NM_000271.5(NPC1):c.2423del (p.Thr808fs)

Gene: NPC1 (NPC intracellular cholesterol transporter 1; minus strand). Cytogenetic location: 18q11.2.
Variant type: Deletion.
Coding change: c.2423del on transcript NM_000271.5 (MANE Select); coding-DNA position 2423, one base deleted (C; older notation c.2423delC).
Protein change: p.Thr808fs; shifts the reading frame from threonine 808.
Molecular consequence: frameshift variant.
Genome position (GRCh38, 1-based): chr18:23,541,159, G deleted on the plus strand (C on the coding strand, the reverse complement: NPC1 is on the minus strand). VCF-style (leftmost placement, unchanged base first): chr18-23541158-TG-T. GRCh37 (hg19) VCF-style: chr18-21121122-TG-T.
Other names: short protein forms T808fs.
Identifiers: ClinVar variation 5014593 (VCV005014593.1).
Genomic context (GRCh38, chr18:23,541,158, plus strand): 5'-AAGTGGAGAATAGGAGTTTTTGAAGAAGCGAAACAAACAGCTCTCTGAGGCCTGGACGCT[TG>T]TTCCATCTTCAGCACCTCTGACACAGCAAAAGATGTCTAGCCGATTTTTCTGAGGGGACA-3'

ClinVar aggregate classification (germline): Pathogenic (1 of 4 stars; one submission).

Conditions:
Niemann-Pick disease, type C1. Also called: NEUROVISCERAL STORAGE DISEASE WITH VERTICAL SUPRANUCLEAR OPHTHALMOPLEGIA; NIEMANN-PICK DISEASE WITH CHOLESTEROL ESTERIFICATION BLOCK; NIEMANN-PICK DISEASE WITHOUT SPHINGOMYELINASE DEFICIENCY; NIEMANN-PICK DISEASE, CHRONIC NEURONOPATHIC FORM; NIEMANN-PICK DISEASE, VARIANT TYPE C1. Identifiers: Orphanet 646, MedGen C3179455, MONDO:0009757, OMIM 257220.

Submission:

Myriad Genetics, Inc.
Classification: Pathogenic for Niemann-Pick disease, type C1. Last evaluated: 2025-06-14. Review status: criteria provided, single submitter. Criteria: Myriad Autosomal Dominant, Autosomal Recessive and X-Linked Classification Criteria (2023). Collection method: clinical testing. Allele origin: unknown.
Comment: NM_000271.4(NPC1):c.2423delC(T808Kfs*23) is expected to be pathogenic in the context of Niemann-Pick disease type C1. This variant is predicted to lead to an abnormal or absent protein product due to the creation of a premature termination codon in NPC1, a gene where loss-of-function variants are known to be pathogenic. Please note: this variant was assessed in the context of healthy population screening.